The following is an entry in ClinVar:

ClinVar aggregate classification (germline): Conflicting classifications of pathogenicity. Review status: criteria provided, conflicting classifications (1 of 4 stars). 10 submissions from 10 submitters: Uncertain significance (3); Benign (1); Likely benign (4). 2 of the submissions do not count toward it. Last evaluated 2026-03-16.

Conditions:
Cardiovascular phenotype. Identifiers: MedGen CN230736.
Long QT syndrome (LQTS). Identifiers: MedGen C0023976, MeSH D008133, MONDO:0002442. Disease mechanism: loss of function. Inheritance: Various modes of inheritance.
Cardiac arrhythmia, ankyrin-B-related. Also called: ANKYRIN-B SYNDROME. Identifiers: Orphanet 101016, Orphanet 768, MedGen C1970119, MONDO:0010958, OMIM 600919.

Allele frequency attached by ClinVar (database versions not stated): TOPMed 0.00016; gnomAD 0.00017 and 0.00018; gnomAD exomes 0.00017 and 0.00025; ExAC 0.00018; ESP Exome Variant Server 0.00038.
gnomAD v4.1: 383 of 1,613,962 alleles (0.024%); highest among the groups gnomAD compares: Non-Finnish European, 0.031%; no homozygotes.

Submissions (10):

Women's Health and Genetics/Laboratory Corporation of America, LabCorp
Classification: Likely benign. Last evaluated: 2026-03-16. Review status: criteria provided, single submitter. Criteria: LabCorp Variant Classification Summary - May 2015. Collection method: clinical testing. Allele origin: germline.
Comment: Variant summary: ANK2 c.9526G>T (p.Asp3176Tyr) results in a non-conservative amino acid change located in the Ankyrin repeat-containing domain (IPR020683) of the encoded protein sequence. Algorithms developed to predict the effect of missense changes on protein structure and function are either unavailable or do not agree on the potential impact of this missense change. The variant allele was found at a frequency of 0.00017 in 251078 control chromosomes, predominantly at a frequency of 0.00034 within the Non-Finnish European subpopulation in the gnomAD database. The observed variant frequency within Non-Finnish European control individuals in the gnomAD database is approximately 34 fold of the estimated maximal expected allele frequency for a pathogenic variant in ANK2 causing Arrhythmia phenotype (1e-05), strongly suggesting that the variant is a benign polymorphism found primarily in populations of Non-Finnish European origin. c.9526G>T has been reported in the literature in an individual affected with Brugada syndrome and in an infant with sudden unexplained death in infancy (SUDI). In both of these cases, other possibly pathogenic causal variants have been identified (SCN5A c.2254G>A, p.Gly752Arg, LeScouarnec_2015; TRPM4 c.1575G>A, p.W525*, Hertz_2016). To our knowledge, no experimental evidence demonstrating an impact on protein function has been reported. The following publications have been ascertained in the context of this evaluation (PMID: 26159999, 26350513, 25650408). ClinVar contains an entry for this variant (Variation ID: 234981). Based on the evidence outlined above, the variant was classified as likely benign.

Labcorp Genetics (formerly Invitae), Labcorp
Classification: Benign for Long QT syndrome. Last evaluated: 2026-01-10. Review status: criteria provided, single submitter. Criteria: Invitae Variant Classification Sherloc (09022015). Collection method: clinical testing. Allele origin: germline.

Blueprint Genetics
Classification: Likely benign. Last evaluated: 2024-10-21. Review status: criteria provided, single submitter. Criteria: ACMG Guidelines, 2015. Collection method: clinical testing. Allele origin: germline.

GeneDx
Classification: Uncertain significance. Last evaluated: 2022-12-28. Review status: criteria provided, single submitter. Criteria: GeneDx Variant Classification Process June 2021. Collection method: clinical testing. Allele origin: germline. Affected: yes.
Comment: In silico analysis supports that this missense variant has a deleterious effect on protein structure/function; This variant is associated with the following publications: (PMID: 26350513, 26159999, 25650408)

Ambry Genetics
Classification: Likely benign for Cardiovascular phenotype. Last evaluated: 2020-07-23. Review status: criteria provided, single submitter. Criteria: Ambry Variant Classification Scheme 2023. Collection method: clinical testing. Allele origin: germline.

Illumina Laboratory Services, Illumina
Classification: Uncertain significance for Cardiac arrhythmia, ankyrin-B-related. Last evaluated: 2018-01-13. Review status: criteria provided, single submitter. Criteria: ICSL Variant Classification Criteria 13 December 2019. Collection method: clinical testing. Allele origin: germline.

Genome Diagnostics Laboratory, University Medical Center Utrecht
Classification: Likely benign for Cardiac arrhythmia, ankyrin-B-related. Last evaluated: 2017-07-28. Review status: criteria provided, single submitter. Criteria: ACGS Guidelines, 2013. Collection method: clinical testing. Allele origin: germline. Affected: yes. Study: VKGL Data-share Consensus.

Stanford Center for Inherited Cardiovascular Disease, Stanford University
Classification: Uncertain significance. Last evaluated: 2013-04-26. Review status: criteria provided, single submitter. Criteria: ACMG Guidelines, 2015. Collection method: provider interpretation. Allele origin: germline.

Clinical Genetics, Academic Medical Center
Classification: Likely benign. Review status: no assertion criteria provided. Collection method: clinical testing. Allele origin: germline. Affected: yes. Study: VKGL Data-share Consensus. Not counted in ClinVar's aggregate classification.

Joint Genome Diagnostic Labs from Nijmegen and Maastricht, Radboudumc and MUMC+
Classification: Likely benign. Review status: no assertion criteria provided. Collection method: clinical testing. Allele origin: germline. Affected: yes. Study: VKGL Data-share Consensus. Not counted in ClinVar's aggregate classification.

Literature cited by the submitters: PubMed 25650408 (cited by Women's Health and Genetics/Laboratory Corporation of America, LabCorp and Ambry Genetics); PubMed 26350513 (cited by Women's Health and Genetics/Laboratory Corporation of America, LabCorp and Ambry Genetics); PubMed 26159999 (cited by Women's Health and Genetics/Laboratory Corporation of America, LabCorp).

NM_001148.6(ANK2):c.9526G>T (p.Asp3176Tyr)

Gene: ANK2 (ankyrin 2; plus strand). Cytogenetic location: 4q26.
Variant type: single nucleotide variant.
Coding change: c.9526G>T on transcript NM_001148.6 (MANE Select); coding-DNA position 9526, G replaced by T.
Protein change: p.Asp3176Tyr; replaces aspartic acid 3176 with tyrosine.
Molecular consequence: missense variant. On other transcripts: intron variant (68).
Genome position (GRCh38, 1-based): chr4:113,358,144, G>T. VCF-style: chr4-113358144-G-T. GRCh37 (hg19) VCF-style: chr4-114279300-G-T.
Other names: c.9292G>T, p.Asp3098Tyr (NM_001386142.1); c.5926G>T, p.Asp1976Tyr (NM_001386166.1); c.9667G>T, p.Asp3223Tyr (NM_001386174.1); c.9643G>T, p.Asp3215Tyr (NM_001386175.1); c.4412-2679G>T (NM_001386186.2, NM_001386148.2); c.4214-2679G>T (NM_001354269.3); c.4292-2679G>T (NM_001386187.2); c.4253-2679G>T (NM_001386147.1); and 35 more; short protein forms D3176Y, D1976Y, D3098Y, D3215Y, D3223Y.
Identifiers: ClinVar variation 234981 (VCV000234981.30), dbSNP rs138928206, ClinGen allele CA3051931.